The following is an entry in ClinVar:

ClinVar aggregate classification (germline): Uncertain significance. Review status: criteria provided, multiple submitters, no conflicts (2 of 4 stars). 2 submissions from 2 submitters: Uncertain significance (2). Last evaluated 2025-12-01.

Conditions:
Familial adenomatous polyposis 1 (FAP1). Also called: FAMILIAL ADENOMATOUS POLYPOSIS 1, ATTENUATED; POLYPOSIS, ADENOMATOUS INTESTINAL. Identifiers: MedGen C2713442, MONDO:0021056, OMIM 175100. Disease mechanism: loss of function.
Hereditary cancer-predisposing syndrome. Also called: Tumor predisposition; Hereditary Cancer Syndrome; Hereditary neoplastic syndrome; Neoplastic Syndromes, Hereditary. Identifiers: Orphanet 140162, MedGen C0027672, MeSH D009386, MONDO:0015356.

Submissions (2):

Ambry Genetics
Classification: Uncertain significance for Hereditary cancer-predisposing syndrome. Last evaluated: 2025-12-01. Review status: criteria provided, single submitter. Criteria: Ambry Variant Classification Scheme 2023. Collection method: clinical testing. Allele origin: germline.
Comment: The p.S2205C variant (also known as c.6614C>G), located in coding exon 15 of the APC gene, results from a C to G substitution at nucleotide position 6614. The serine at codon 2205 is replaced by cysteine, an amino acid with dissimilar properties. This amino acid position is conserved. In addition, in silico predictors for this gene do not accurately predict pathogenicity. Based on the available evidence, the clinical significance of this variant remains unclear.

Labcorp Genetics (formerly Invitae), Labcorp
Classification: Uncertain significance for Familial adenomatous polyposis 1. Last evaluated: 2025-02-22. Review status: criteria provided, single submitter. Criteria: Invitae Variant Classification Sherloc (09022015). Collection method: clinical testing. Allele origin: germline.
Comment: This sequence change replaces serine, which is neutral and polar, with cysteine, which is neutral and slightly polar, at codon 2205 of the APC protein (p.Ser2205Cys). This variant is not present in population databases (gnomAD no frequency). This variant has not been reported in the literature in individuals affected with APC-related conditions. ClinVar contains an entry for this variant (Variation ID: 411483). Invitae Evidence Modeling of protein sequence and biophysical properties (such as structural, functional, and spatial information, amino acid conservation, physicochemical variation, residue mobility, and thermodynamic stability) indicates that this missense variant is not expected to disrupt APC protein function with a negative predictive value of 95%. In summary, the available evidence is currently insufficient to determine the role of this variant in disease. Therefore, it has been classified as a Variant of Uncertain Significance.

NM_000038.6(APC):c.6614C>G (p.Ser2205Cys)

Gene: APC (APC regulator of Wnt signaling pathway; plus strand). Cytogenetic location: 5q22.2.
Variant type: single nucleotide variant.
Coding change: c.6614C>G on transcript NM_000038.6 (MANE Select); coding-DNA position 6614, C replaced by G.
Protein change: p.Ser2205Cys; replaces serine 2205 with cysteine.
Molecular consequence: missense variant.
Genome position (GRCh38, 1-based): chr5:112,842,208, C>G. VCF-style: chr5-112842208-C-G. GRCh37 (hg19) VCF-style: chr5-112177905-C-G.
Other names: c.6614C>G, p.Ser2205Cys (NM_001127510.3, NM_001354895.2); c.6560C>G, p.Ser2187Cys (NM_001127511.3); c.6668C>G, p.Ser2223Cys (NM_001354896.2); c.6644C>G, p.Ser2215Cys (NM_001354897.2); c.6539C>G, p.Ser2180Cys (NM_001354898.2); c.6530C>G, p.Ser2177Cys (NM_001354899.2); c.6491C>G, p.Ser2164Cys (NM_001354900.2); c.6437C>G, p.Ser2146Cys (NM_001354901.2); and 5 more; short protein forms S2187C, S2205C, S2045C, S2104C, S2177C, S1922C, S2146C, S2164C.
Identifiers: ClinVar variation 411483 (VCV000411483.11), dbSNP rs876659684, ClinGen allele CA16035800.